The following is an entry in ClinVar:

NM_003413.4(ZIC3):c.1025C>T (p.Ser342Phe)

Gene: ZIC3 (Zic family zinc finger 3; plus strand). Cytogenetic location: Xq26.3.
Variant type: single nucleotide variant.
Coding change: c.1025C>T on transcript NM_003413.4 (MANE Select); coding-DNA position 1025, C replaced by T.
Protein change: p.Ser342Phe; replaces serine 342 with phenylalanine.
Molecular consequence: missense variant.
Genome position (GRCh38, 1-based): chrX:137,567,716, C>T. VCF-style: chrX-137567716-C-T. GRCh37 (hg19) VCF-style: chrX-136649875-C-T.
Other names: c.1025C>T, p.Ser342Phe (NM_001330661.1); short protein forms S342F.
Identifiers: ClinVar variation 4994406 (VCV004994406.1).

ClinVar aggregate classification (germline): Uncertain significance (1 of 4 stars; one submission).

Conditions:
ZIC3-related disorder. Also called: ZIC3-Related Disorders; ZIC3-related condition.

Submission:

PreventionGenetics, part of Exact Sciences
Classification: Uncertain significance for ZIC3-related condition. Last evaluated: 2026-02-15. Review status: criteria provided, single submitter. Criteria: ACMG Guidelines, 2015. Collection method: clinical testing. Allele origin: germline.
Comment: The ZIC3 c.1025C>T variant is predicted to result in the amino acid substitution p.Ser342Phe. To our knowledge, this variant has not been reported in the literature. This variant is absent in a large population database (gnomAD), indicating this variant is rare. At this time, the clinical significance of this variant is uncertain due to the absence of conclusive functional and genetic evidence.